The following is an entry in ClinVar:

ClinVar aggregate classification (germline): Pathogenic (1 of 4 stars; one submission).

Submission:

ISCA Site 6
Classification: Pathogenic. Last evaluated: 2011-08-12. Review status: criteria provided, single submitter. Criteria: Kaminsky et al. (Genet Med. 2011). Collection method: clinical testing. Allele origin: unknown. Affected: yes. Observed: 3 variant alleles. Clinical features observed: Hypertrophic cardiomyopathy (HP:0001639), Absent speech (HP:0001617), Autism (HP:0000717).
Comment: Copy number variation identified through the course of routine clinical cytogenomic testing in postnatal populations. Clinical assertions have been curated as described in Kaminsky et al. 2011.

GRCh38/hg38 7q11.23(chr7:73286412-74725240)x1

Genes: ABHD11 (abhydrolase domain containing 11; minus strand), ABHD11-AS1 (ABHD11 antisense RNA 1 (tail to tail); plus strand), BAZ1B (bromodomain adjacent to zinc finger domain 1B; minus strand), BCL7B (BAF chromatin remodeling complex subunit BCL7B; minus strand), BUD23 (BUD23 rRNA methyltransferase and ribosome maturation factor; plus strand) and 127 more. Cytogenetic location: 7q11.23.
Variant type: copy number loss.
Change: copy number 1 (one copy instead of two) of chr7:73,286,412-74,725,240 (1.44 Mb, GRCh38 coordinates, 1-based), cytogenetic band 7q11.23.
Identifiers: ClinVar variation 59318 (VCV000059318.2).